The following is an entry in ClinVar:

ClinVar aggregate classification (germline): Uncertain significance (1 of 4 stars; one submission).

Conditions:
Aortic aneurysm, familial thoracic 8 (AAT8). Identifiers: MedGen C3809513, MONDO:0014187, OMIM 615436.

Submission:

Labcorp Genetics (formerly Invitae), Labcorp
Classification: Uncertain significance for Aortic aneurysm, familial thoracic 8. Last evaluated: 2020-12-20. Review status: criteria provided, single submitter. Criteria: Invitae Variant Classification Sherloc (09022015). Collection method: clinical testing. Allele origin: germline.
Comment: In summary, the available evidence is currently insufficient to determine the role of this variant in disease. Therefore, it has been classified as a Variant of Uncertain Significance. Algorithms developed to predict the effect of missense changes on protein structure and function are either unavailable or do not agree on the potential impact of this missense change (SIFT: "Deleterious"; PolyPhen-2: "Probably Damaging"; Align-GVGD: "Class C0"). This variant has not been reported in the literature in individuals with PRKG1-related conditions. This variant is not present in population databases (ExAC no frequency). This sequence change replaces aspartic acid with histidine at codon 332 of the PRKG1 protein (p.Asp332His). The aspartic acid residue is moderately conserved and there is a moderate physicochemical difference between aspartic acid and histidine.

NM_006258.4(PRKG1):c.994G>C (p.Asp332His)

Gene: PRKG1 (protein kinase cGMP-dependent 1; plus strand). Cytogenetic location: 10q21.1.
Variant type: single nucleotide variant.
Coding change: c.994G>C on transcript NM_006258.4 (MANE Select); coding-DNA position 994, G replaced by C.
Protein change: p.Asp332His; replaces aspartic acid 332 with histidine.
Molecular consequence: missense variant. On other transcripts: 5 prime UTR variant (1).
Genome position (GRCh38, 1-based): chr10:52,133,898, G>C. VCF-style: chr10-52133898-G-C. GRCh37 (hg19) VCF-style: chr10-53893658-G-C.
Other names: c.949G>C, p.Asp317His (NM_001098512.3); c.-216G>C (NM_001374781.1); short protein forms D317H, D332H.
Identifiers: ClinVar variation 1419894 (VCV001419894.8), dbSNP rs2132635323, ClinGen allele CA376534399.